The following is an entry in ClinVar:

NM_001130144.3(LTBP3):c.448G>A (p.Gly150Ser)

Gene: LTBP3 (latent transforming growth factor beta binding protein 3; minus strand). Cytogenetic location: 11q13.1.
Variant type: single nucleotide variant.
Coding change: c.448G>A on transcript NM_001130144.3 (MANE Select); coding-DNA position 448, G replaced by A.
Protein change: p.Gly150Ser; replaces glycine 150 with serine.
Molecular consequence: missense variant.
Genome position (GRCh38, 1-based): chr11:65,554,264, C>T on the plus strand (G>A on the coding strand, the complement: LTBP3 is on the minus strand). VCF-style: chr11-65554264-C-T. GRCh37 (hg19) VCF-style: chr11-65321735-C-T.
Other names: c.97G>A, p.Gly33Ser (NM_001164266.1); c.448G>A, p.Gly150Ser (NM_021070.4); short protein forms G33S, G150S.
Identifiers: ClinVar variation 1959321 (VCV001959321.5), dbSNP rs1231547064, ClinGen allele CA381276598.

ClinVar aggregate classification (germline): Uncertain significance (1 of 4 stars; one submission).

Conditions:
Brachyolmia-amelogenesis imperfecta syndrome. Also called: Tooth agenesis, selective, 6; Dental anomalies and short stature; PLATYSPONDYLY WITH AMELOGENESIS IMPERFECTA. Identifiers: Orphanet 2899, MedGen C1832594, MONDO:0011018, OMIM 601216. Disease mechanism: loss of function.

Allele frequency attached by ClinVar (database versions not stated): gnomAD exomes below 0.00001; gnomAD 0.00001.

Submission:

Labcorp Genetics (formerly Invitae), Labcorp
Classification: Uncertain significance for Brachyolmia-amelogenesis imperfecta syndrome. Last evaluated: 2023-09-28. Review status: criteria provided, single submitter. Criteria: Invitae Variant Classification Sherloc (09022015). Collection method: clinical testing. Allele origin: germline.
Comment: In summary, the available evidence is currently insufficient to determine the role of this variant in disease. Therefore, it has been classified as a Variant of Uncertain Significance. Algorithms developed to predict the effect of missense changes on protein structure and function output the following: SIFT: "Not Available"; PolyPhen-2: "Benign"; Align-GVGD: "Not Available". The serine amino acid residue is found in multiple mammalian species, which suggests that this missense change does not adversely affect protein function. ClinVar contains an entry for this variant (Variation ID: 1959321). This variant has not been reported in the literature in individuals affected with LTBP3-related conditions. This variant is present in population databases (no rsID available, gnomAD 0.001%). This sequence change replaces glycine, which is neutral and non-polar, with serine, which is neutral and polar, at codon 150 of the LTBP3 protein (p.Gly150Ser).